The following is an entry in ClinVar:

NM_001457.4(FLNB):c.4170C>T (p.Phe1390=)

Gene: FLNB (filamin B; plus strand). Cytogenetic location: 3p14.3.
Variant type: single nucleotide variant.
Coding change: c.4170C>T on transcript NM_001457.4 (MANE Select); coding-DNA position 4170, C replaced by T.
Protein change: p.Phe1390=; no amino-acid change (phenylalanine 1390 retained).
Molecular consequence: synonymous variant.
Genome position (GRCh38, 1-based): chr3:58,126,710, C>T. VCF-style: chr3-58126710-C-T. GRCh37 (hg19) VCF-style: chr3-58112437-C-T.
Other names: c.4170C>T, p.Phe1390= (NM_001164317.2, NM_001164318.2, NM_001164319.2).
Identifiers: ClinVar variation 902328 (VCV000902328.14), dbSNP rs374070003, ClinGen allele CA2468668.

ClinVar aggregate classification (germline): Conflicting classifications of pathogenicity. Review status: criteria provided, conflicting classifications (1 of 4 stars). 4 submissions from 4 submitters: Uncertain significance (1); Likely benign (2). 1 of the submissions does not count toward it. Last evaluated 2025-07-14.

Conditions:
FLNB-related disorder. Also called: FLNB-related condition; FLNB-related disorders. Identifiers: MedGen CN381095.
FLNB-Related Spectrum Disorders.

Allele frequency attached by ClinVar (database versions not stated): TOPMed 0.00002; gnomAD 0.00003 and 0.00005; ESP Exome Variant Server 0.00008; gnomAD exomes 0.00008; ExAC 0.00009; 1000 Genomes Project 30x 0.00016; 1000 Genomes Project 0.00020.
gnomAD v4.1: 97 of 1,613,964 alleles (0.006%); highest among the groups gnomAD compares: South Asian, 0.058%; no homozygotes.

Submissions (4):

Labcorp Genetics (formerly Invitae), Labcorp
Classification: Likely benign. Last evaluated: 2025-07-14. Review status: criteria provided, single submitter. Criteria: Invitae Variant Classification Sherloc (09022015). Collection method: clinical testing. Allele origin: germline.

Blueprint Genetics
Classification: Likely benign. Last evaluated: 2024-09-05. Review status: criteria provided, single submitter. Criteria: ACMG Guidelines, 2015. Collection method: clinical testing. Allele origin: germline.

Illumina Laboratory Services, Illumina
Classification: Uncertain significance for FLNB-Related Spectrum Disorders. Last evaluated: 2018-01-13. Review status: criteria provided, single submitter. Criteria: ICSL Variant Classification Criteria 13 December 2019. Collection method: clinical testing. Allele origin: germline.

PreventionGenetics, part of Exact Sciences
Classification: Likely benign for FLNB-related condition. Last evaluated: 2019-06-07. Review status: no assertion criteria provided. Collection method: clinical testing. Allele origin: germline. Not counted in ClinVar's aggregate classification.
Comment: This variant is classified as likely benign based on ACMG/AMP sequence variant interpretation guidelines (Richards et al. 2015 PMID: 25741868, with internal and published modifications).